The following is an entry in ClinVar:

ClinVar aggregate classification (germline): Uncertain significance. Review status: criteria provided, multiple submitters, no conflicts (2 of 4 stars). 3 submissions from 3 submitters: Uncertain significance (3). Last evaluated 2024-03-28.

Conditions:
DICER1-related tumor predisposition. Also called: DICER1-related pleuropulmonary blastoma cancer predisposition syndrome; DICER1 syndrome. Identifiers: Orphanet 284343, MedGen C3839822, MONDO:0100216.
Hereditary cancer-predisposing syndrome. Also called: Hereditary Cancer Syndrome; Neoplastic Syndromes, Hereditary; Hereditary neoplastic syndrome; Tumor predisposition. Identifiers: Orphanet 140162, MedGen C0027672, MeSH D009386, MONDO:0015356.

Allele frequency attached by ClinVar (database versions not stated): gnomAD exomes below 0.00001.
gnomAD v4.1: 1 of 1,614,092 alleles (0.000062%); highest among the groups gnomAD compares: Non-Finnish European, 0.000085%; no homozygotes.

Submissions (3):

Ambry Genetics
Classification: Uncertain significance for Hereditary cancer-predisposing syndrome. Last evaluated: 2024-03-28. Review status: criteria provided, single submitter. Criteria: Ambry Variant Classification Scheme 2023. Collection method: clinical testing. Allele origin: germline.
Comment: The p.L757F variant (also known as c.2271G>C), located in coding exon 14 of the DICER1 gene, results from a G to C substitution at nucleotide position 2271. The leucine at codon 757 is replaced by phenylalanine, an amino acid with highly similar properties. This amino acid position is highly conserved in available vertebrate species. In addition, the in silico prediction for this alteration is inconclusive. Since supporting evidence is limited at this time, the clinical significance of this alteration remains unclear.

Sema4
Classification: Uncertain significance for Hereditary cancer-predisposing syndrome. Last evaluated: 2021-12-16. Review status: criteria provided, single submitter. Criteria: Sema4 Curation Guidelines. Collection method: curation. Allele origin: germline.
Comment: The DICER1 c.2271G>C (p.Leu757Phe) variant has not been reported in the literature to our knowledge. This variant is not reported in the population database Genome Aggregation Database (PMID: 32461654). This variant has been reported in ClinVar (Variation ID 820997). Functional studies have not been performed, and in silico predictions of the variant's effect on protein function are inconclusive. The evidence is insufficient to meet ACMG/AMP criteria for classifying the variant as benign or pathogenic. Thus, the clinical significance of this variant is currently uncertain.

Labcorp Genetics (formerly Invitae), Labcorp
Classification: Uncertain significance for DICER1-related tumor predisposition. Last evaluated: 2019-12-01. Review status: criteria provided, single submitter. Criteria: Invitae Variant Classification Sherloc (09022015). Collection method: clinical testing. Allele origin: germline.
Comment: This sequence change replaces leucine with phenylalanine at codon 757 of the DICER1 protein (p.Leu757Phe). The leucine residue is highly conserved and there is a small physicochemical difference between leucine and phenylalanine. This variant is not present in population databases (ExAC no frequency). This variant has not been reported in the literature in individuals with DICER1-related conditions. Algorithms developed to predict the effect of missense changes on protein structure and function are either unavailable or do not agree on the potential impact of this missense change (SIFT: "Tolerated"; PolyPhen-2: "Probably Damaging"; Align-GVGD: "Class C0"). In summary, the available evidence is currently insufficient to determine the role of this variant in disease. Therefore, it has been classified as a Variant of Uncertain Significance.

NM_177438.3(DICER1):c.2271G>C (p.Leu757Phe)

Gene: DICER1 (dicer 1, ribonuclease III; minus strand). Cytogenetic location: 14q32.13.
Variant type: single nucleotide variant.
Coding change: c.2271G>C on transcript NM_177438.3 (MANE Select); coding-DNA position 2271, G replaced by C.
Protein change: p.Leu757Phe; replaces leucine 757 with phenylalanine.
Molecular consequence: missense variant.
Genome position (GRCh38, 1-based): chr14:95,108,489, C>G on the plus strand (G>C on the coding strand, the complement: DICER1 is on the minus strand). VCF-style: chr14-95108489-C-G. GRCh37 (hg19) VCF-style: chr14-95574826-C-G.
Other names: c.2271G>C, p.Leu757Phe (NM_001195573.1, NM_001271282.3, NM_001291628.2 and 1 more transcripts); short protein forms L757F.
Identifiers: ClinVar variation 820997 (VCV000820997.16), dbSNP rs1595382605, ClinGen allele CA390882411.